The following is an entry in ClinVar:

ClinVar aggregate classification (germline): Uncertain significance (1 of 4 stars; one submission).

Allele frequency attached by ClinVar (database versions not stated): gnomAD exomes below 0.00001 and 0.00001; TOPMed below 0.00001; gnomAD 0.00001.
gnomAD v4.1: 6 of 1,613,598 alleles (0.00037%); highest among the groups gnomAD compares: East Asian, 0.0022%; no homozygotes.

Submission:

Labcorp Genetics (formerly Invitae), Labcorp
Classification: Uncertain significance. Last evaluated: 2025-09-15. Review status: criteria provided, single submitter. Criteria: Invitae Variant Classification Sherloc (09022015). Collection method: clinical testing. Allele origin: germline.
Comment: This sequence change replaces threonine, which is neutral and polar, with alanine, which is neutral and non-polar, at codon 596 of the KIF2A protein (p.Thr596Ala). This variant is present in population databases (no rsID available, gnomAD 0.006%). This variant has not been reported in the literature in individuals affected with KIF2A-related conditions. ClinVar contains an entry for this variant (Variation ID: 1510589). An algorithm developed to predict the effect of missense changes on protein structure and function outputs the following: PolyPhen-2: "Benign". The alanine amino acid residue is found in multiple mammalian species, which suggests that this missense change does not adversely affect protein function. In summary, the available evidence is currently insufficient to determine the role of this variant in disease. Therefore, it has been classified as a Variant of Uncertain Significance.

NM_001098511.3(KIF2A):c.1786A>G (p.Thr596Ala)

Gene: KIF2A (kinesin family member 2A; plus strand). Cytogenetic location: 5q12.1.
Variant type: single nucleotide variant.
Coding change: c.1786A>G on transcript NM_001098511.3 (MANE Select); coding-DNA position 1786, A replaced by G.
Protein change: p.Thr596Ala; replaces threonine 596 with alanine.
Molecular consequence: missense variant.
Genome position (GRCh38, 1-based): chr5:62,373,712, A>G. VCF-style: chr5-62373712-A-G. GRCh37 (hg19) VCF-style: chr5-61669539-A-G.
Other names: c.1591A>G, p.Thr531Ala (NM_001243952.2); c.1615A>G, p.Thr539Ala (NM_001243953.2); c.1672A>G, p.Thr558Ala (NM_004520.5); short protein forms T539A, T558A, T531A, T596A.
Identifiers: ClinVar variation 1510589 (VCV001510589.6), dbSNP rs1471087520, ClinGen allele CA359821349.